The following is an entry in ClinVar:

NM_003622.4(PPFIBP1):c.1368_1369del (p.Glu456fs)

Gene: PPFIBP1 (PPFIB scaffold protein 1; plus strand). Cytogenetic location: 12p11.22.
Variant type: Microsatellite.
Coding change: c.1368_1369del on transcript NM_003622.4 (MANE Select); coding-DNA positions 1368 to 1369, 2 bases deleted (GA; older notation c.1368_1369delGA).
Protein change: p.Glu456fs; shifts the reading frame from glutamic acid 456.
Molecular consequence: frameshift variant.
Genome position (GRCh38, 1-based): chr12:27,673,815-27,673,816, GA deleted; deleting any 2 consecutive bases within chr12:27,673,812-27,673,816 gives the same sequence; the c. name uses the placement nearest the transcript's 3' end. VCF-style (leftmost placement, unchanged base first): chr12-27673811-AAG-A. GRCh37 (hg19) VCF-style: chr12-27826744-AAG-A.
Other names: c.960_961del, p.Glu320fs (NM_001198915.2); c.1326_1327del, p.Glu442fs (NM_001198916.2); c.1419_1420del, p.Glu473fs (NM_177444.3); short protein forms E320fs, E442fs, E456fs, E473fs.
Identifiers: ClinVar variation 1679177 (VCV001679177.2), dbSNP rs2140228979, ClinGen allele CA2580615152.

ClinVar aggregate classification (germline): Pathogenic. Review status: criteria provided, single submitter (1 of 4 stars). 2 submissions from 2 submitters: Pathogenic (1). 1 of the submissions does not count toward it. Last evaluated 2022-04-14.

Conditions:
Neurodevelopmental disorder with seizures, microcephaly, and brain abnormalities (NEDSMBA). Identifiers: MedGen C5774209, MONDO:0859283, OMIM 620024.
Microcephaly. Also called: Microcephaly (disease). Identifiers: MedGen C4551563, MONDO:0001149, HP:0000252.
Severe intellectual disability. Identifiers: MedGen C0036857, HP:0010864.
Cerebral calcification. Also called: Cerebral calcifications. Identifiers: MedGen C0270685, HP:0002514.
Seizure. Also called: Seizures. Identifiers: MedGen C0036572, HP:0001250.

Submissions (2):

Institute of Human Genetics, University of Leipzig Medical Center
Classification: Pathogenic for Severe intellectual disability; Seizure; Microcephaly; Cerebral calcification. Last evaluated: 2022-04-14. Review status: criteria provided, single submitter. Criteria: ACMG Guidelines, 2015. Collection method: research. Allele origin: germline. Affected: yes.
Comment: The variant was identified as homozygous. Criteria applied: PVS1, PM2_Supporting, PM3_Supporting

OMIM
Classification: Pathogenic for NEURODEVELOPMENTAL DISORDER WITH SEIZURES, MICROCEPHALY, AND BRAIN ABNORMALITIES. Last evaluated: 2022-08-31. Review status: no assertion criteria provided. Collection method: literature only. Allele origin: germline. Not counted in ClinVar's aggregate classification.

Literature cited by the submitters: DOI doi.org/10.1101/2022.04.04.22273309 (cited by Institute of Human Genetics, University of Leipzig Medical Center); PubMed 30214071 (cited by OMIM).